The following is an entry in ClinVar:

ClinVar aggregate classification (germline): Uncertain significance (1 of 4 stars; one submission).

Conditions:
Inborn genetic diseases. Identifiers: MedGen C0950123, MeSH D030342.

gnomAD v4.1: 1 of 1,613,608 alleles (0.000062%); highest among the groups gnomAD compares: Non-Finnish European, 0.000085%; no homozygotes.

Submission:

Ambry Genetics
Classification: Uncertain significance for Inborn genetic diseases. Last evaluated: 2026-05-20. Review status: criteria provided, single submitter. Criteria: Ambry Variant Classification Scheme 2023. Collection method: clinical testing. Allele origin: germline.
Comment: The p.K485R variant (also known as c.1454A>G), located in coding exon 10 of the MIB1 gene, results from an A to G substitution at nucleotide position 1454. The lysine at codon 485 is replaced by arginine, an amino acid with highly similar properties. This amino acid position is conserved. In addition, this alteration is predicted to be tolerated by in silico analysis. Based on the available evidence, the clinical significance of this variant remains unclear.

NM_020774.4(MIB1):c.1454A>G (p.Lys485Arg)

Gene: MIB1 (MIB E3 ubiquitin protein ligase 1; plus strand). Cytogenetic location: 18q11.2.
Variant type: single nucleotide variant.
Coding change: c.1454A>G on transcript NM_020774.4 (MANE Select); coding-DNA position 1454, A replaced by G.
Protein change: p.Lys485Arg; replaces lysine 485 with arginine.
Molecular consequence: missense variant.
Genome position (GRCh38, 1-based): chr18:21,803,989, A>G. VCF-style: chr18-21803989-A-G. GRCh37 (hg19) VCF-style: chr18-19383950-A-G.
Other names: short protein forms K485R.
Identifiers: ClinVar variation 4860029 (VCV004860029.1).